The following is an entry in ClinVar:

NM_000548.5(TSC2):c.45dup (p.Lys16Ter)

Gene: TSC2 (TSC complex subunit 2; plus strand). Cytogenetic location: 16p13.3.
Variant type: Duplication.
Coding change: c.45dup on transcript NM_000548.5 (MANE Select); coding-DNA position 45, one base duplicated (T; older notation c.45dupT).
Protein change: p.Lys16Ter; replaces lysine 16 with a stop codon.
Molecular consequence: nonsense. On other transcripts: 5 prime UTR variant (1), intron variant (1).
Genome position (GRCh38, 1-based): chr16:2,048,660, T duplicated; the last of 3 consecutive T bases (chr16:2,048,658-2,048,660); duplicating any one gives the same sequence. VCF-style (leftmost placement, unchanged base first): chr16-2048657-G-GT. GRCh37 (hg19) VCF-style: chr16-2098658-G-GT.
Other names: c.45dup, p.Lys16Ter (NM_001077183.3, NM_001114382.3, NM_001318827.2 and 4 more transcripts); c.-182dup (NM_001318831.2); c.78dup, p.Lys27Ter (NM_001318832.2); c.-10+595dup (NM_001318829.2); short protein forms K16*, K27*.
Identifiers: ClinVar variation 217252 (VCV000217252.7), dbSNP rs397515020, ClinGen allele CA279123.

ClinVar aggregate classification (germline): Pathogenic. Review status: criteria provided, multiple submitters, no conflicts (2 of 4 stars). 4 submissions from 4 submitters: Pathogenic (4). Last evaluated 2023-12-20.

Conditions:
Tuberous sclerosis 2 (TSC2). Identifiers: Orphanet 805, MedGen C1860707, MONDO:0013199, OMIM 613254.

Submissions (4):

3billion
Classification: Pathogenic for Tuberous sclerosis 2. Last evaluated: 2023-12-20. Review status: criteria provided, single submitter. Criteria: ACMG Guidelines, 2015. Collection method: clinical testing. Allele origin: germline. Affected: yes.
Comment: The variant is not observed in the gnomAD v2.1.1 dataset. Predicted Consequence/Location: Stop-gained (nonsense): predicted to result in a loss or disruption of normal protein function through nonsense-mediated decay (NMD) or protein truncation. Multiple pathogenic variants are reported downstream of the variant. The variant has been reported at least twice as pathogenic with clinical assertions and evidence for the classification (ClinVar ID: VCV000217252 /PMID: 16835931). Therefore, this variant is classified as Pathogenic according to the recommendation of ACMG/AMP guideline.

GeneDx
Classification: Pathogenic. Last evaluated: 2023-07-31. Review status: criteria provided, single submitter. Criteria: GeneDx Variant Classification Process June 2021. Collection method: clinical testing. Allele origin: germline. Affected: yes.
Comment: A 1 base pair insertion at position 45-46 was reported in an individual with tuberous sclerosis complex in published literature, however the exact variant nomenclature was not provided (Merritt et al., 2006); Nonsense variant predicted to result in protein truncation or nonsense mediated decay in a gene for which loss of function is a known mechanism of disease; Not observed at significant frequency in large population cohorts (gnomAD); This variant is associated with the following publications: (PMID: 23661441, 16835931)

Labcorp Genetics (formerly Invitae), Labcorp
Classification: Pathogenic for Tuberous sclerosis 2. Last evaluated: 2022-10-27. Review status: criteria provided, single submitter. Criteria: Invitae Variant Classification Sherloc (09022015). Collection method: clinical testing. Allele origin: germline.
Comment: This variant is not present in population databases (gnomAD no frequency). This sequence change creates a premature translational stop signal (p.Lys16*) in the TSC2 gene. It is expected to result in an absent or disrupted protein product. Loss-of-function variants in TSC2 are known to be pathogenic (PMID: 10205261, 17304050). This premature translational stop signal has been observed in individual(s) with tuberous sclerosis complex (PMID: 16835931). For these reasons, this variant has been classified as Pathogenic. ClinVar contains an entry for this variant (Variation ID: 217252).

Athena Diagnostics
Classification: Pathogenic for Tuberous sclerosis 2. Last evaluated: 2014-11-21. Review status: criteria provided, single submitter. Criteria: Athena Diagnostics Criteria. Collection method: clinical testing. Allele origin: germline. Inheritance: Autosomal dominant inheritance.

Literature cited by the submitters: PubMed 16835931 (cited by 3 submitters); PubMed 10205261 (cited by Labcorp Genetics (formerly Invitae), Labcorp); PubMed 17304050 (cited by Labcorp Genetics (formerly Invitae), Labcorp).